The following is an entry in ClinVar:

NM_058246.4(DNAJB6):c.749_757dup (p.Ala252_Gln253insLeuProAla)

Gene: DNAJB6 (DnaJ heat shock protein family (Hsp40) member B6; plus strand). Cytogenetic location: 7q36.3.
Variant type: Duplication.
Coding change: c.749_757dup on transcript NM_058246.4 (MANE Select); coding-DNA positions 749 to 757, 9 bases duplicated (TGCCAGCCC; older notation c.749_757dupTGCCAGCCC).
Protein change: p.Ala252_Gln253insLeuProAla.
Molecular consequence: inframe insertion.
Genome position (GRCh38, 1-based): chr7:157,409,852-157,409,860, TGCCAGCCC duplicated; duplicating any 9 consecutive bases within chr7:157,409,848-157,409,860 gives the same sequence; the c. name uses the placement nearest the transcript's 3' end. VCF-style (leftmost placement, unchanged base first): chr7-157409847-C-CGCCCTGCCA. GRCh37 (hg19) VCF-style: chr7-157202541-C-CGCCCTGCCA.
Other names: c.404_412dup, p.Ala137_Gln138insLeuProAla (NM_001363676.1).
Identifiers: ClinVar variation 2416711 (VCV002416711.5), dbSNP rs1489866925, ClinGen allele CA579544772.

ClinVar aggregate classification (germline): Uncertain significance (1 of 4 stars; one submission).

Conditions:
Autosomal dominant limb-girdle muscular dystrophy type 1D (DNAJB6) (LGMDD1). Also called: MUSCULAR DYSTROPHY, LIMB-GIRDLE, TYPE 1D; MUSCULAR DYSTROPHY, AUTOSOMAL DOMINANT, WITH RIMMED VACUOLES; Autosomal dominant limb-girdle muscular dystrophy type 1D; Muscular dystrophy, limb-girdle, autosomal dominant 1. Identifiers: Orphanet 34516, MedGen C4721885, MONDO:0021018, OMIM 603511.

Submission:

Labcorp Genetics (formerly Invitae), Labcorp
Classification: Uncertain significance for Autosomal dominant limb-girdle muscular dystrophy type 1D (DNAJB6). Last evaluated: 2022-07-21. Review status: criteria provided, single submitter. Criteria: Invitae Variant Classification Sherloc (09022015). Collection method: clinical testing. Allele origin: germline.
Comment: In summary, the available evidence is currently insufficient to determine the role of this variant in disease. Therefore, it has been classified as a Variant of Uncertain Significance. Experimental studies and prediction algorithms are not available or were not evaluated, and the functional significance of this variant is currently unknown. This variant has not been reported in the literature in individuals affected with DNAJB6-related conditions. This variant is present in population databases (no rsID available, gnomAD 0.002%). This variant, c.749_757dup, results in the insertion of 3 amino acid(s) of the DNAJB6 protein (p.Leu250_Ala252dup), but otherwise preserves the integrity of the reading frame.